The following is an entry in ClinVar:

NM_138395.4(MARS2):c.697A>G (p.Ile233Val)

Gene: MARS2 (methionyl-tRNA synthetase 2, mitochondrial; plus strand). Cytogenetic location: 2q33.1.
Variant type: single nucleotide variant.
Coding change: c.697A>G on transcript NM_138395.4 (MANE Select); coding-DNA position 697, A replaced by G.
Protein change: p.Ile233Val; replaces isoleucine 233 with valine.
Molecular consequence: missense variant.
Genome position (GRCh38, 1-based): chr2:197,706,102, A>G. VCF-style: chr2-197706102-A-G. GRCh37 (hg19) VCF-style: chr2-198570826-A-G.
Other names: p.Ile233Val; short protein forms I233V.
Identifiers: ClinVar variation 516164 (VCV000516164.18), dbSNP rs150082953, ClinGen allele CA2044623.

ClinVar aggregate classification (germline): Conflicting classifications of pathogenicity. Review status: criteria provided, conflicting classifications (1 of 4 stars). 4 submissions from 4 submitters: Uncertain significance (1); Benign (1); Likely benign (2). Last evaluated 2025-08-26.

Allele frequency attached by ClinVar (database versions not stated): ESP Exome Variant Server 0.00015; gnomAD exomes 0.00020 and 0.00049; TOPMed 0.00021; gnomAD 0.00022 and 0.00023; ExAC 0.00036.
gnomAD v4.1: 340 of 1,613,978 alleles (0.021%); highest among the groups gnomAD compares: Admixed American, 0.01%; no homozygotes.

Submissions (4):

GeneDx
Classification: Uncertain significance. Last evaluated: 2025-08-26. Review status: criteria provided, single submitter. Criteria: GeneDx Variant Classification Process June 2021. Collection method: clinical testing. Allele origin: germline. Affected: yes.
Comment: In silico analysis suggests that this missense variant does not alter protein structure/function; Has not been previously published as pathogenic or benign to our knowledge

Mayo Clinic Laboratories, Mayo Clinic
Classification: Likely benign. Last evaluated: 2025-02-25. Review status: criteria provided, single submitter. Criteria: ACMG Guidelines, 2015. Collection method: clinical testing. Allele origin: germline. Observed: 2 variant alleles.
Comment: BS1, BP4_moderate

Labcorp Genetics (formerly Invitae), Labcorp
Classification: Benign. Last evaluated: 2024-10-15. Review status: criteria provided, single submitter. Criteria: Invitae Variant Classification Sherloc (09022015). Collection method: clinical testing. Allele origin: germline.

Breakthrough Genomics
Classification: Likely benign. Review status: criteria provided, single submitter. Criteria: ACMG Guidelines, 2015. Collection method: not provided. Allele origin: germline. Inheritance: Autosomal recessive inheritance. Affected: yes.